The following is an entry in ClinVar:

ClinVar aggregate classification (germline): Uncertain significance (1 of 4 stars; one submission).

Conditions:
Duchenne muscular dystrophy (DMD). Also called: MUSCULAR DYSTROPHY, PSEUDOHYPERTROPHIC PROGRESSIVE, DUCHENNE TYPE; Duchenne Muscular Dystrophy (DMD). Identifiers: Orphanet 98896, MedGen C0013264, MONDO:0010679, OMIM 310200.

Submission:

Labcorp Genetics (formerly Invitae), Labcorp
Classification: Uncertain significance for Duchenne muscular dystrophy. Last evaluated: 2025-12-29. Review status: criteria provided, single submitter. Criteria: Invitae Variant Classification Sherloc (09022015). Collection method: clinical testing. Allele origin: germline.
Comment: This sequence change replaces leucine, which is neutral and non-polar, with methionine, which is neutral and non-polar, at codon 1152 of the DMD protein (p.Leu1152Met). This variant is not present in population databases (gnomAD no frequency). This variant has not been reported in the literature in individuals affected with DMD-related conditions. Invitae Evidence Modeling of protein sequence and biophysical properties (such as structural, functional, and spatial information, amino acid conservation, physicochemical variation, residue mobility, and thermodynamic stability) indicates that this missense variant is not expected to disrupt DMD protein function with a negative predictive value of 95%. In summary, the available evidence is currently insufficient to determine the role of this variant in disease. Therefore, it has been classified as a Variant of Uncertain Significance.

NM_004006.3(DMD):c.3454T>A (p.Leu1152Met)

Gene: DMD (dystrophin; minus strand). Cytogenetic location: Xp21.1.
Variant type: single nucleotide variant.
Coding change: c.3454T>A on transcript NM_004006.3 (MANE Select); coding-DNA position 3454, T replaced by A.
Protein change: p.Leu1152Met; replaces leucine 1152 with methionine.
Molecular consequence: missense variant.
Genome position (GRCh38, 1-based): chrX:32,454,811, A>T on the plus strand (T>A on the coding strand, the complement: DMD is on the minus strand). VCF-style: chrX-32454811-A-T. GRCh37 (hg19) VCF-style: chrX-32472928-A-T.
Other names: c.3430T>A, p.Leu1144Met (NM_000109.4); c.3442T>A, p.Leu1148Met (NM_004009.3); c.3085T>A, p.Leu1029Met (NM_004010.3); short protein forms L1029M, L1148M, L1152M, L1144M.
Identifiers: ClinVar variation 4770433 (VCV004770433.1).